The following is an entry in ClinVar:

NM_003238.6(TGFB2):c.644_645insT (p.Arg216fs)

Gene: TGFB2 (transforming growth factor beta 2; plus strand). Cytogenetic location: 1q41.
Variant type: Insertion.
Coding change: c.644_645insT on transcript NM_003238.6 (MANE Select); coding-DNA positions 644 to 645, T inserted.
Protein change: p.Arg216fs; shifts the reading frame from arginine 216.
Molecular consequence: frameshift variant. On other transcripts: non-coding transcript variant (2).
Genome position: GRCh38 VCF-style: chr1-218434338-A-AT. GRCh37 (hg19) VCF-style: chr1-218607680-A-AT.
Other names: c.728_729insT, p.Arg244fs (NM_001135599.4); short protein forms R216fs, R244fs.
Identifiers: ClinVar variation 213848 (VCV000213848.2), dbSNP rs863223795, ClinGen allele CA319954.

ClinVar aggregate classification (germline): Likely pathogenic (1 of 4 stars; one submission).

Submission:

GeneDx
Classification: Likely pathogenic. Last evaluated: 2016-08-05. Review status: criteria provided, single submitter. Criteria: GeneDx Variant Classification (06012015). Collection method: clinical testing. Allele origin: germline. Affected: yes.
Comment: c.644_645insT: p.Arg216GlnfsX6 (R216QfsX6) in exon 4 of the TGFB2 gene (NM_003238.3). The normal sequence with the base that is inserted in braces is: CAGA{T}CAGG. Variants in TGFB2 are found in approximately 1% of individuals with Loeys-Dietz syndrome (LDS; Loeys BL and Dietz HC, 2013). Patients with a variant in TGFB2 may present with a milder phenotype, although features of classic LDS may occur (Boileau et al., 2012). Features common in carriers of mutations in TGFB2 include club feet and mitral valve disease (Loeys BL and Dietz HC, 2013). Although the c.644_645insT variant in the TGFB2 gene has not been reported to our knowledge, this mutation causes a shift in reading frame starting at codon Arginine 216, changing it to a Glutamine, and creating a premature stop codon at position 6 of the new reading frame, denoted p.Arg216GlnfsX6. This variant is expected to result in either an abnormal, truncated protein product or loss of protein from this allele through nonsense-mediated mRNA decay. Other frameshift variants in the TGFB2 gene have been reported in association with thoracic aortic aneurysms and dissections. In summary, c.644_645insT in the TGFB2 gene is interpreted as a likely pathogenic variant. This variant was found in TAADV2-1